The following is an entry in ClinVar:

ClinVar aggregate classification (germline): Benign. Review status: criteria provided, multiple submitters, no conflicts (2 of 4 stars). 4 submissions from 4 submitters: Benign (4). Last evaluated 2026-02-04.

Conditions:
Junctional epidermolysis bullosa with pyloric atresia. Also called: ITGB4-Related Epidermolysis Bullosa with Pyloric Atresia; ITGA6-Related Epidermolysis Bullosa with Pyloric Atresia; EPIDERMOLYSIS BULLOSA, JUNCTIONAL 5B, WITH PYLORIC ATRESIA; APLASIA CUTIS CONGENITA WITH GASTROINTESTINAL ATRESIA; CARMI SYNDROME; EB-PA-ACC. Identifiers: Orphanet 79403, MedGen C5676875, MONDO:0009183, OMIM 226730.

Allele frequency attached by ClinVar (database versions not stated): gnomAD 0.29590 and 0.30018; TOPMed 0.29776; 1000 Genomes Project 0.25160; 1000 Genomes Project 30x 0.25999; gnomAD exomes 0.27931 and 0.29258; ExAC 0.28096; ESP Exome Variant Server 0.31255.
gnomAD v4.1: 466,212 of 1,593,052 alleles (29%); highest among the groups gnomAD compares: African/African-American, 33%; 70,133 homozygotes.

Submissions (4):

Labcorp Genetics (formerly Invitae), Labcorp
Classification: Benign. Last evaluated: 2026-02-04. Review status: criteria provided, single submitter. Criteria: Invitae Variant Classification Sherloc (09022015). Collection method: clinical testing. Allele origin: germline.

Illumina Laboratory Services, Illumina
Classification: Benign for Junctional epidermolysis bullosa with pyloric atresia. Last evaluated: 2018-01-12. Review status: criteria provided, single submitter. Criteria: ICSL Variant Classification Criteria 13 December 2019. Collection method: clinical testing. Allele origin: germline.
Comment: This variant was observed in the ICSL laboratory as part of a predisposition screen in an ostensibly healthy population. It had not been previously curated by ICSL or reported in the Human Gene Mutation Database (HGMD: prior to June 1st, 2018), and was therefore a candidate for classification through an automated scoring system. Utilizing variant allele frequency, disease prevalence and penetrance estimates, and inheritance mode, an automated score was calculated to assess if this variant is too frequent to cause the disease. Based on the score and internal cut-off values, a variant classified as benign is not then subjected to further curation. The score for this variant resulted in a classification of benign for this disease.

GeneDx
Classification: Benign. Last evaluated: 2015-03-03. Review status: criteria provided, single submitter. Criteria: GeneDx Variant Classification Process June 2021. Collection method: clinical testing. Allele origin: germline. Affected: yes.
Comment: This variant is associated with the following publications: (PMID: 22189006)

Breakthrough Genomics
Classification: Benign. Review status: criteria provided, single submitter. Criteria: ACMG Guidelines, 2015. Collection method: not provided. Allele origin: germline. Inheritance: Autosomal recessive inheritance. Affected: yes.

NM_000210.4(ITGA6):c.1138G>A (p.Ala380Thr)

Genes: ITGA6 (integrin subunit alpha 6; plus strand), PDK1-AS1 (PDK1 and ITGA6 antisense RNA 1; minus strand). Cytogenetic location: 2q31.1.
Variant type: single nucleotide variant.
Coding change: c.1138G>A on transcript NM_000210.4 (MANE Select); coding-DNA position 1138, G replaced by A.
Protein change: p.Ala380Thr; replaces alanine 380 with threonine.
Molecular consequence: missense variant.
Genome position (GRCh38, 1-based): chr2:172,475,080, G>A. VCF-style: chr2-172475080-G-A. GRCh37 (hg19) VCF-style: chr2-173339808-G-A.
Other names: c.1138G>A, p.Ala380Thr (NM_001079818.3, NM_001365529.2, NM_001365530.2); c.781G>A, p.Ala261Thr (NM_001316306.2); short protein forms A380T, A261T.
Identifiers: ClinVar variation 332360 (VCV000332360.16), dbSNP rs11895564, ClinGen allele CA1968043.